The following is an entry in ClinVar:

ClinVar aggregate classification (germline): Benign. Review status: criteria provided, multiple submitters, no conflicts (2 of 4 stars). 3 submissions from 3 submitters: Benign (3). Last evaluated 2026-02-04.

Allele frequency attached by ClinVar (database versions not stated): 1000 Genomes Project 0.02037; 1000 Genomes Project 30x 0.02139; TOPMed 0.02493; gnomAD 0.02605 and 0.02627; gnomAD exomes 0.02655 and 0.03033; ExAC 0.02716; ESP Exome Variant Server 0.02799.
gnomAD v4.1: 48,231 of 1,613,954 alleles (3%); highest among the groups gnomAD compares: Non-Finnish European, 3.2%; 843 homozygotes.

Submissions (3):

Labcorp Genetics (formerly Invitae), Labcorp
Classification: Benign. Last evaluated: 2026-02-04. Review status: criteria provided, single submitter. Criteria: Invitae Variant Classification Sherloc (09022015). Collection method: clinical testing. Allele origin: germline.

Mayo Clinic Laboratories, Mayo Clinic
Classification: Benign. Last evaluated: 2022-12-01. Review status: criteria provided, single submitter. Criteria: ACMG Guidelines, 2015. Collection method: clinical testing. Allele origin: germline. Observed: 15 variant alleles.
Comment: BA1, BP4, BP7

Breakthrough Genomics
Classification: Benign. Review status: criteria provided, single submitter. Criteria: ACMG Guidelines, 2015. Collection method: not provided. Allele origin: germline. Inheritance: Autosomal recessive inheritance. Affected: yes.

NM_015909.4(NBAS):c.4221G>A (p.Leu1407=)

Gene: NBAS (NBAS subunit of NRZ tethering complex; minus strand). Cytogenetic location: 2p24.3.
Variant type: single nucleotide variant.
Coding change: c.4221G>A on transcript NM_015909.4 (MANE Select); coding-DNA position 4221, G replaced by A.
Protein change: p.Leu1407=; no amino-acid change (leucine 1407 retained).
Molecular consequence: synonymous variant. On other transcripts: non-coding transcript variant (1).
Genome position (GRCh38, 1-based): chr2:15,330,724, C>T on the plus strand (G>A on the coding strand, the complement: NBAS is on the minus strand). VCF-style: chr2-15330724-C-T. GRCh37 (hg19) VCF-style: chr2-15470848-C-T.
Other names: p.Leu1407=.
Identifiers: ClinVar variation 1168841 (VCV001168841.11), dbSNP rs34395824, ClinGen allele CA1535737.
Genomic context (GRCh38, chr2:15,330,724, plus strand): 5'-CGCTTTGGTGGTGGTTGTGGTGTTGGAAAGGACTTTCATGGTGGTAGCAGTGGTCCAGCG[C>T]AATAGGTCAGCTGAATTGCTACCTGGAACACCTACTTCATCCTGTATTAAAGAAACAAAA-3'
Protein context (NP_056993.2, residues 1397-1417): GVPGSNSADL[Leu1407=]RWTTATTMKV